The following is an entry in ClinVar:

ClinVar aggregate classification (germline): Uncertain significance (1 of 4 stars; one submission).

Conditions:
Supravalvar aortic stenosis (SVAS). Also called: Supravalvar aortic stenosis, Eisenberg type. Identifiers: Orphanet 3193, MedGen C0003499, MONDO:0008504, OMIM 185500, HP:0004381.

Allele frequency attached by ClinVar (database versions not stated): ExAC 0.00001.
gnomAD v4.1: 7 of 1,614,216 alleles (0.00043%); highest among the groups gnomAD compares: Non-Finnish European, 0.00051%; no homozygotes.

Submission:

Labcorp Genetics (formerly Invitae), Labcorp
Classification: Uncertain significance for Supravalvar aortic stenosis. Last evaluated: 2023-11-03. Review status: criteria provided, single submitter. Criteria: Invitae Variant Classification Sherloc (09022015). Collection method: clinical testing. Allele origin: germline.
Comment: This sequence change falls in intron 16 of the ELN gene. It does not directly change the encoded amino acid sequence of the ELN protein. It affects a nucleotide within the consensus splice site. This variant is present in population databases (rs782379310, gnomAD 0.0009%). This variant has not been reported in the literature in individuals affected with ELN-related conditions. Variants that disrupt the consensus splice site are a relatively common cause of aberrant splicing (PMID: 17576681, 9536098). Algorithms developed to predict the effect of sequence changes on RNA splicing suggest that this variant is not likely to affect RNA splicing. In summary, the available evidence is currently insufficient to determine the role of this variant in disease. Therefore, it has been classified as a Variant of Uncertain Significance.

Literature cited by the submitters: PubMed 17576681; PubMed 9536098.

NM_000501.4(ELN):c.889+6A>G

Gene: ELN (elastin; plus strand). Cytogenetic location: 7q11.23.
Variant type: single nucleotide variant.
Coding change: c.889+6A>G on transcript NM_000501.4 (MANE Select); 6 bases into the intron after coding-DNA position 889, A replaced by G.
Molecular consequence: intron variant.
Genome position (GRCh38, 1-based): chr7:74,051,845, A>G. VCF-style: chr7-74051845-A-G. GRCh37 (hg19) VCF-style: chr7-73466175-A-G.
Other names: c.904+6A>G (NM_001081754.3, NM_001081753.3); c.889+6A>G (NM_001278939.2, NM_001278915.2, NM_001278912.2 and 1 more transcripts); c.847+6A>G (NM_001278916.2); c.781+6A>G (NM_001278913.2); c.874+6A>G (NM_001278914.2); c.859+6A>G (NM_001278917.2, NM_001081752.3); c.757+6A>G (NM_001278918.2).
Identifiers: ClinVar variation 2898039 (VCV002898039.3), dbSNP rs782379310, ClinGen allele CA4292733.
Genomic context (GRCh38, chr7:74,051,845, plus strand): 5'-GGGGCTGGTGTTCCTGGCGTGCCTGGGGCAATTCCTGGAATTGGAGGCATCGCAGGTAAC[A>G]TCTGTCCCAGCAGGGGGCGGGTGTGTCCTTGAGATGGCCACAGGGCAAGGACCTCACCCT-3'